The following is an entry in ClinVar:

ClinVar aggregate classification (germline): Likely benign. Review status: criteria provided, multiple submitters, no conflicts (2 of 4 stars). 3 submissions from 3 submitters: Likely benign (2). 1 of the submissions does not count toward it. Last evaluated 2026-01-21.

Conditions:
KMT2A-related disorder. Also called: KMT2A-related condition.

Allele frequency attached by ClinVar (database versions not stated): ExAC 0.00008; gnomAD exomes 0.00008 and 0.00013; ESP Exome Variant Server 0.00015; gnomAD 0.00017 and 0.00020; TOPMed 0.00022; 1000 Genomes Project 0.00040; 1000 Genomes Project 30x 0.00047.
gnomAD v4.1: 154 of 1,614,110 alleles (0.0095%); highest among the groups gnomAD compares: African/African-American, 0.033%; no homozygotes.

Submissions (3):

Labcorp Genetics (formerly Invitae), Labcorp
Classification: Likely benign. Last evaluated: 2026-01-21. Review status: criteria provided, single submitter. Criteria: Invitae Variant Classification Sherloc (09022015). Collection method: clinical testing. Allele origin: germline.

CeGaT Center for Human Genetics Tuebingen
Classification: Likely benign. Last evaluated: 2024-04-01. Review status: criteria provided, single submitter. Criteria: CeGaT Center For Human Genetics Tuebingen Variant Classification Criteria Version 2. Collection method: clinical testing. Allele origin: germline. Affected: yes. Observed: 1 variant allele.
Comment: KMT2A: BP4

PreventionGenetics, part of Exact Sciences
Classification: Likely benign for KMT2A-related condition. Last evaluated: 2024-05-31. Review status: no assertion criteria provided. Collection method: clinical testing. Allele origin: germline. Not counted in ClinVar's aggregate classification.
Comment: This variant is classified as likely benign based on ACMG/AMP sequence variant interpretation guidelines (Richards et al. 2015 PMID: 25741868, with internal and published modifications).

NM_001197104.2(KMT2A):c.10327G>A (p.Ala3443Thr)

Gene: KMT2A (lysine methyltransferase 2A; plus strand). Cytogenetic location: 11q23.3.
Variant type: single nucleotide variant.
Coding change: c.10327G>A on transcript NM_001197104.2 (MANE Select); coding-DNA position 10327, G replaced by A.
Protein change: p.Ala3443Thr; replaces alanine 3443 with threonine.
Molecular consequence: missense variant.
Genome position (GRCh38, 1-based): chr11:118,506,219, G>A. VCF-style: chr11-118506219-G-A. GRCh37 (hg19) VCF-style: chr11-118376934-G-A.
Other names: c.10318G>A, p.Ala3440Thr (NM_005933.4); c.10327G>A (NM_001197104.1); short protein forms A3440T, A3443T.
Identifiers: ClinVar variation 1158808 (VCV001158808.29), dbSNP rs201345346, ClinGen allele CA6304726.